The following is an entry in ClinVar:

ClinVar aggregate classification (germline): Uncertain significance (1 of 4 stars; one submission).

Submission:

GeneDx
Classification: Uncertain significance. Last evaluated: 2026-03-19. Review status: criteria provided, single submitter. Criteria: GeneDx Variant Classification Process June 2021. Collection method: clinical testing. Allele origin: germline.
Comment: Not observed at significant frequency in large population cohorts (gnomAD); In silico analysis suggests that this missense variant does not alter protein structure/function; Has not been previously published as pathogenic or benign to our knowledge

NM_001001331.4(ATP2B2):c.3728T>A (p.Leu1243His)

Gene: ATP2B2 (ATPase plasma membrane Ca2+ transporting 2; minus strand). Cytogenetic location: 3p25.3.
Variant type: single nucleotide variant.
Coding change: c.3728T>A on transcript NM_001001331.4 (MANE Select); coding-DNA position 3728, T replaced by A.
Protein change: p.Leu1243His; replaces leucine 1243 with histidine.
Molecular consequence: missense variant. On other transcripts: 3 prime UTR variant (2).
Genome position (GRCh38, 1-based): chr3:10,328,818, A>T on the plus strand (T>A on the coding strand, the complement: ATP2B2 is on the minus strand). VCF-style: chr3-10328818-A-T. GRCh37 (hg19) VCF-style: chr3-10370502-A-T.
Other names: c.*355T>A (NM_001330611.3); c.3593T>A, p.Leu1198His (NM_001353564.1, NM_001438036.1, NM_001683.5); c.*282T>A (NM_001363862.1); c.3635T>A, p.Leu1212His (NM_001438646.1); short protein forms L1243H, L1212H, L1198H.
Identifiers: ClinVar variation 5009468 (VCV005009468.1).
Genomic context (GRCh38, chr3:10,328,818, plus strand): 5'-AAAGCGGGTGGCAGCGGGGTCCATGAGGGCGGGCGGGCAGGCGAGAGGGTCCTCAGCTAA[A>T]GCGACGTCTCCAGGCTGTGGATGGGGCTCCCTGGACTTGAAGAGGTAGCTGATTTGCTTG-3'
Protein context (NP_001001331.1, residues 1233-1243): GSPIHSLETS[Leu1243His]